The following is an entry in ClinVar:

ClinVar aggregate classification (germline): Uncertain significance. Review status: criteria provided, multiple submitters, no conflicts (2 of 4 stars). 2 submissions from 2 submitters: Uncertain significance (2). Last evaluated 2022-07-19.

Conditions:
Primary ciliary dyskinesia. Also called: Ciliary dyskinesia. Identifiers: Orphanet 244, MedGen C0008780, MONDO:0016575, HP:0012265.

Allele frequency attached by ClinVar (database versions not stated): TOPMed 0.00003; ESP Exome Variant Server 0.00008.
gnomAD v4.1: 5 of 1,610,836 alleles (0.00031%); highest among the groups gnomAD compares: African/African-American, 0.0053%; no homozygotes.

Submissions (2):

Labcorp Genetics (formerly Invitae), Labcorp
Classification: Uncertain significance for Primary ciliary dyskinesia. Last evaluated: 2022-07-19. Review status: criteria provided, single submitter. Criteria: Invitae Variant Classification Sherloc (09022015). Collection method: clinical testing. Allele origin: germline.
Comment: This sequence change replaces leucine, which is neutral and non-polar, with valine, which is neutral and non-polar, at codon 3351 of the DNAH11 protein (p.Leu3351Val). This variant is not present in population databases (gnomAD no frequency). This missense change has been observed in individual(s) with clinical features of primary ciliary dyskinesia (Invitae). ClinVar contains an entry for this variant (Variation ID: 977574). Advanced modeling of protein sequence and biophysical properties (such as structural, functional, and spatial information, amino acid conservation, physicochemical variation, residue mobility, and thermodynamic stability) performed at Invitae indicates that this missense variant is not expected to disrupt DNAH11 protein function. In summary, the available evidence is currently insufficient to determine the role of this variant in disease. Therefore, it has been classified as a Variant of Uncertain Significance.

UNC Molecular Genetics  Laboratory, University of North Carolina at Chapel Hill
Classification: Uncertain significance for Primary ciliary dyskinesia. Last evaluated: 2018-03-21. Review status: criteria provided, single submitter. Criteria: ACMG Guidelines, 2015. Collection method: clinical testing. Allele origin: germline. Observed: 1 heterozygote.

NM_001277115.2(DNAH11):c.10051C>G (p.Leu3351Val)

Gene: DNAH11 (dynein axonemal heavy chain 11; plus strand). Cytogenetic location: 7p15.3.
Variant type: single nucleotide variant.
Coding change: c.10051C>G on transcript NM_001277115.2 (MANE Select); coding-DNA position 10051, C replaced by G.
Protein change: p.Leu3351Val; replaces leucine 3351 with valine.
Molecular consequence: missense variant.
Genome position (GRCh38, 1-based): chr7:21,801,161, C>G. VCF-style: chr7-21801161-C-G. GRCh37 (hg19) VCF-style: chr7-21840779-C-G.
Other names: short protein forms L3351V.
Identifiers: ClinVar variation 977574 (VCV000977574.7), dbSNP rs376710623, ClinGen allele CA155108700.
Genomic context (GRCh38, chr7:21,801,161, plus strand): 5'-AAAAATGACTCAAAAGTTAATTCAACTCTGATTCAGGATCTGGATCGAAATCTGAGCAGA[C>G]TCACGGCTTCATTTGAAAAAGCAACAGCTGAGAAAGTCCGGTGTCAAGAAGAGGTGAACC-3'
Protein context (NP_001264044.1, residues 3341-3361): LVDLDRNLSR[Leu3351Val]TASFEKATAE